The following is an entry in ClinVar:

NM_206933.4(USH2A):c.5002G>A (p.Gly1668Ser)

Genes: USH2A (usherin; minus strand), USH2A-AS2 (USH2A antisense RNA 2; plus strand). Cytogenetic location: 1q41.
Variant type: single nucleotide variant.
Coding change: c.5002G>A on transcript NM_206933.4 (MANE Select); coding-DNA position 5002, G replaced by A.
Protein change: p.Gly1668Ser; replaces glycine 1668 with serine.
Molecular consequence: missense variant.
Genome position (GRCh38, 1-based): chr1:216,084,863, C>T on the plus strand (G>A on the coding strand, the complement: USH2A is on the minus strand). VCF-style: chr1-216084863-C-T. GRCh37 (hg19) VCF-style: chr1-216258205-C-T.
Other names: short protein forms G1668S.
Identifiers: ClinVar variation 850945 (VCV000850945.9), dbSNP rs1487579070, ClinGen allele CA344859337.

ClinVar aggregate classification (germline): Uncertain significance. Review status: criteria provided, multiple submitters, no conflicts (2 of 4 stars). 3 submissions from 3 submitters: Uncertain significance (2). 1 of the submissions does not count toward it. Last evaluated 2022-10-12.

Conditions:
Usher syndrome type 2A. Also called: RETINAL DISEASE IN USHER SYNDROME TYPE IIA, MODIFIER OF; USHER SYNDROME, TYPE IIA. Identifiers: Orphanet 231178, Orphanet 886, MedGen C1848634, MONDO:0010169, OMIM 276901.

Allele frequency attached by ClinVar (database versions not stated): gnomAD 0.00001; gnomAD exomes 0.00001; TOPMed 0.00001.
gnomAD v4.1: 14 of 1,612,978 alleles (0.00087%); highest among the groups gnomAD compares: Non-Finnish European, 0.0012%; no homozygotes.

Submissions (3):

Blueprint Genetics
Classification: Uncertain significance. Last evaluated: 2022-10-12. Review status: criteria provided, single submitter. Criteria: ACMG Guidelines, 2015. Collection method: clinical testing. Allele origin: germline.

Labcorp Genetics (formerly Invitae), Labcorp
Classification: Uncertain significance. Last evaluated: 2022-08-03. Review status: criteria provided, single submitter. Criteria: Invitae Variant Classification Sherloc (09022015). Collection method: clinical testing. Allele origin: germline.
Comment: This sequence change replaces glycine, which is neutral and non-polar, with serine, which is neutral and polar, at codon 1668 of the USH2A protein (p.Gly1668Ser). This variant is present in population databases (no rsID available, gnomAD 0.002%). This variant has not been reported in the literature in individuals affected with USH2A-related conditions. ClinVar contains an entry for this variant (Variation ID: 850945). Algorithms developed to predict the effect of missense changes on protein structure and function output the following: SIFT: "Deleterious"; PolyPhen-2: "Benign"; Align-GVGD: "Class C55". The serine amino acid residue is found in multiple mammalian species, which suggests that this missense change does not adversely affect protein function. In summary, the available evidence is currently insufficient to determine the role of this variant in disease. Therefore, it has been classified as a Variant of Uncertain Significance.

Natera, Inc.
Classification: Uncertain significance for Usher syndrome type 2A. Last evaluated: 2020-09-16. Review status: no assertion criteria provided. Collection method: clinical testing. Allele origin: germline. Not counted in ClinVar's aggregate classification.